The following is an entry in ClinVar:

NM_006031.6(PCNT):c.4486C>T (p.Gln1496Ter)

Gene: PCNT (pericentrin; plus strand). Cytogenetic location: 21q22.3.
Variant type: single nucleotide variant.
Coding change: c.4486C>T on transcript NM_006031.6 (MANE Select); coding-DNA position 4486, C replaced by T.
Protein change: p.Gln1496Ter; replaces glutamine 1496 with a stop codon.
Molecular consequence: nonsense.
Genome position (GRCh38, 1-based): chr21:46,398,053, C>T. VCF-style: chr21-46398053-C-T. GRCh37 (hg19) VCF-style: chr21-47817967-C-T.
Other names: c.4132C>T, p.Gln1378Ter (NM_001315529.2); short protein forms Q1496*, Q1378*.
Identifiers: ClinVar variation 2831147 (VCV002831147.3), dbSNP rs1260485519, ClinGen allele CA410579248.

ClinVar aggregate classification (germline): Pathogenic (1 of 4 stars; one submission).

Submission:

Labcorp Genetics (formerly Invitae), Labcorp
Classification: Pathogenic. Last evaluated: 2024-01-05. Review status: criteria provided, single submitter. Criteria: Invitae Variant Classification Sherloc (09022015). Collection method: clinical testing. Allele origin: germline.
Comment: This sequence change creates a premature translational stop signal (p.Gln1496*) in the PCNT gene. It is expected to result in an absent or disrupted protein product. Loss-of-function variants in PCNT are known to be pathogenic (PMID: 18174396, 22821869). This variant is not present in population databases (gnomAD no frequency). This variant has not been reported in the literature in individuals affected with PCNT-related conditions. For these reasons, this variant has been classified as Pathogenic.

Literature cited by the submitters: PubMed 18174396; PubMed 22821869.